The following is an entry in ClinVar:

NM_201253.3(CRB1):c.140A>G (p.Asp47Gly)

Gene: CRB1 (crumbs cell polarity complex component 1; plus strand). Cytogenetic location: 1q31.3.
Variant type: single nucleotide variant.
Coding change: c.140A>G on transcript NM_201253.3 (MANE Select); coding-DNA position 140, A replaced by G.
Protein change: p.Asp47Gly; replaces aspartic acid 47 with glycine.
Molecular consequence: missense variant. On other transcripts: 5 prime UTR variant (1), non-coding transcript variant (2).
Genome position (GRCh38, 1-based): chr1:197,328,491, A>G. VCF-style: chr1-197328491-A-G. GRCh37 (hg19) VCF-style: chr1-197297621-A-G.
Other names: c.140A>G, p.Asp47Gly (NM_001193640.2, NM_001257966.2); c.-68A>G (NM_001257965.2); short protein forms D47G.
Identifiers: ClinVar variation 1385941 (VCV001385941.6), dbSNP rs1240979285, ClinGen allele CA344085111.

ClinVar aggregate classification (germline): Uncertain significance (1 of 4 stars; one submission).

Conditions:
Leber congenital amaurosis 8 (LCA8). Identifiers: Orphanet 65, MedGen C3151202, MONDO:0013453, OMIM 613835.
Retinitis pigmentosa 12 (RP12). Also called: RP WITH OR WITHOUT PRESERVED PARAARTERIOLE RETINAL PIGMENT EPITHELIUM; RETINITIS PIGMENTOSA WITH OR WITHOUT PARAARTERIOLAR PRESERVATION OF RETINAL PIGMENT EPITHELIUM; RP WITH OR WITHOUT PPRPE. Identifiers: Orphanet 791, MedGen C1838647, MONDO:0010818, OMIM 600105.

Allele frequency attached by ClinVar (database versions not stated): gnomAD exomes below 0.00001; gnomAD 0.00001.
gnomAD v4.1: 2 of 1,614,074 alleles (0.00012%); highest among the groups gnomAD compares: East Asian, 0.0022%; no homozygotes.

Submission:

Labcorp Genetics (formerly Invitae), Labcorp
Classification: Uncertain significance for Leber congenital amaurosis 8; Retinitis pigmentosa 12. Last evaluated: 2022-06-27. Review status: criteria provided, single submitter. Criteria: Invitae Variant Classification Sherloc (09022015). Collection method: clinical testing. Allele origin: germline.
Comment: In summary, the available evidence is currently insufficient to determine the role of this variant in disease. Therefore, it has been classified as a Variant of Uncertain Significance. Algorithms developed to predict the effect of sequence changes on RNA splicing suggest that this variant may create or strengthen a splice site. Advanced modeling of protein sequence and biophysical properties (such as structural, functional, and spatial information, amino acid conservation, physicochemical variation, residue mobility, and thermodynamic stability) performed at Invitae indicates that this missense variant is not expected to disrupt CRB1 protein function. This variant has not been reported in the literature in individuals affected with CRB1-related conditions. This variant is present in population databases (no rsID available, gnomAD 0.003%). This sequence change replaces aspartic acid, which is acidic and polar, with glycine, which is neutral and non-polar, at codon 47 of the CRB1 protein (p.Asp47Gly).